The following is an entry in ClinVar:

NM_000136.3(FANCC):c.598G>C (p.Val200Leu)

Genes: FANCC (FA complementation group C; minus strand), AOPEP (aminopeptidase O (putative); plus strand). Cytogenetic location: 9q22.32.
Variant type: single nucleotide variant.
Coding change: c.598G>C on transcript NM_000136.3 (MANE Select); coding-DNA position 598, G replaced by C.
Protein change: p.Val200Leu; replaces valine 200 with leucine.
Molecular consequence: missense variant.
Genome position (GRCh38, 1-based): chr9:95,150,011, C>G on the plus strand (G>C on the coding strand, the complement: FANCC is on the minus strand). VCF-style: chr9-95150011-C-G. GRCh37 (hg19) VCF-style: chr9-97912293-C-G.
Other names: c.598G>C, p.Val200Leu (NM_001243743.2, NM_001243744.2); short protein forms V200L.
Identifiers: ClinVar variation 419678 (VCV000419678.19), dbSNP rs772996041, ClinGen allele CA5137685.
Genomic context (GRCh38, chr9:95,150,011, plus strand): 5'-AGAACTCTGGCTGGAGGATTTCCTGAGGTTCACGTCCATGACAGATGAGGAGAGCCTCCA[C>G]CAGGGGGTCAACATCTGTCAGGGTAATAAGTGGGACACAAACTCGTGACAGGGACGCCAC-3'
Protein context (NP_000127.2, residues 190-210): LITLTDVDPL[Val200Leu]EALLICHGRE

ClinVar aggregate classification (germline): Uncertain significance. Review status: criteria provided, multiple submitters, no conflicts (2 of 4 stars). 5 submissions from 5 submitters: Uncertain significance (4). 1 of the submissions does not count toward it. Last evaluated 2024-06-11.

Conditions:
Hereditary cancer-predisposing syndrome. Also called: Hereditary neoplastic syndrome; Tumor predisposition; Neoplastic Syndromes, Hereditary; Hereditary Cancer Syndrome. Identifiers: Orphanet 140162, MedGen C0027672, MeSH D009386, MONDO:0015356.
Fanconi anemia complementation group C (FANCC). Also called: FANCONI PANCYTOPENIA, TYPE 3; FACC; Fanconi anemia, group C; FANCC-Related Fanconi Anemia. Identifiers: Orphanet 84, MedGen C3468041, MONDO:0009213, OMIM 227645.
Fanconi anemia (FA). Also called: Fanconi's anemia. Identifiers: Orphanet 84, MedGen C0015625, MeSH D005199, MONDO:0019391.

Allele frequency attached by ClinVar (database versions not stated): gnomAD 0.00002; gnomAD exomes 0.00002 and 0.00004; ExAC 0.00003; TOPMed 0.00003.
gnomAD v4.1: 57 of 1,613,904 alleles (0.0035%); highest among the groups gnomAD compares: Non-Finnish European, 0.0048%; no homozygotes.

Submissions (5):

Fulgent Genetics
Classification: Uncertain significance for Fanconi anemia complementation group C. Last evaluated: 2024-06-11. Review status: criteria provided, single submitter. Criteria: ACMG Guidelines, 2015. Collection method: clinical testing. Allele origin: germline.

Labcorp Genetics (formerly Invitae), Labcorp
Classification: Uncertain significance for Fanconi anemia. Last evaluated: 2024-04-23. Review status: criteria provided, single submitter. Criteria: Invitae Variant Classification Sherloc (09022015). Collection method: clinical testing. Allele origin: germline.
Comment: This sequence change replaces valine, which is neutral and non-polar, with leucine, which is neutral and non-polar, at codon 200 of the FANCC protein (p.Val200Leu). This variant is present in population databases (rs772996041, gnomAD 0.004%). This variant has not been reported in the literature in individuals affected with FANCC-related conditions. ClinVar contains an entry for this variant (Variation ID: 419678). Advanced modeling of protein sequence and biophysical properties (such as structural, functional, and spatial information, amino acid conservation, physicochemical variation, residue mobility, and thermodynamic stability) performed at Invitae indicates that this missense variant is not expected to disrupt FANCC protein function with a negative predictive value of 80%. In summary, the available evidence is currently insufficient to determine the role of this variant in disease. Therefore, it has been classified as a Variant of Uncertain Significance.

Ambry Genetics
Classification: Uncertain significance for Hereditary cancer-predisposing syndrome. Last evaluated: 2024-02-27. Review status: criteria provided, single submitter. Criteria: Ambry Variant Classification Scheme 2023. Collection method: clinical testing. Allele origin: germline.
Comment: The p.V200L variant (also known as c.598G>C), located in coding exon 6 of the FANCC gene, results from a G to C substitution at nucleotide position 598. The valine at codon 200 is replaced by leucine, an amino acid with highly similar properties. This alteration was identified in 1/1358 non-cancer control individuals and in 0/57 cases, in a study looking at cancer predisposition mutations in patients with cutaneous melanoma and a history of at least two additional non-cutaneous melanoma primary cancers (Pritchard AL et al. PLoS One, 2018 Apr;13:e0194098). This amino acid position is well conserved in available vertebrate species. In addition, this alteration is predicted to be tolerated by in silico analysis. Since supporting evidence is limited at this time, the clinical significance of this alteration remains unclear.

GeneDx
Classification: Uncertain significance. Last evaluated: 2020-04-03. Review status: criteria provided, single submitter. Criteria: GeneDx Variant Classification Process June 2021. Collection method: clinical testing. Allele origin: germline. Affected: yes.
Comment: In silico analysis supports that this missense variant does not alter protein structure/function; Reported in controls subjects from a non-cancer study (Pritchard 2018); This variant is associated with the following publications: (PMID: 29641532)

Natera, Inc.
Classification: Uncertain significance for Fanconi anemia. Last evaluated: 2018-06-11. Review status: no assertion criteria provided. Collection method: clinical testing. Allele origin: germline. Not counted in ClinVar's aggregate classification.

Literature cited by the submitters: PubMed 29641532 (cited by Ambry Genetics).